The following is an entry in ClinVar:

ClinVar aggregate classification (germline): Pathogenic (1 of 4 stars; one submission).

Submission:

Labcorp Genetics (formerly Invitae), Labcorp
Classification: Pathogenic. Last evaluated: 2022-08-19. Review status: criteria provided, single submitter. Criteria: Invitae Variant Classification Sherloc (09022015). Collection method: clinical testing. Allele origin: germline.
Comment: For these reasons, this variant has been classified as Pathogenic. This sequence change creates a premature translational stop signal (p.Leu1801Glnfs*19) in the CDH23 gene. It is expected to result in an absent or disrupted protein product. Loss-of-function variants in CDH23 are known to be pathogenic (PMID: 11138009, 21940737). This variant is not present in population databases (gnomAD no frequency). This variant has not been reported in the literature in individuals affected with CDH23-related conditions.

Literature cited by the submitters: PubMed 11138009; PubMed 21940737.

NM_022124.6(CDH23):c.5402del (p.Leu1801fs)

Gene: CDH23 (cadherin related 23; plus strand). Cytogenetic location: 10q22.1.
Variant type: Deletion.
Coding change: c.5402del on transcript NM_022124.6 (MANE Select); coding-DNA position 5402, one base deleted (T; older notation c.5402delT).
Protein change: p.Leu1801fs; shifts the reading frame from leucine 1801.
Molecular consequence: frameshift variant.
Genome position (GRCh38, 1-based): chr10:71,784,320, T deleted. VCF-style (leftmost placement, unchanged base first): chr10-71784319-CT-C. GRCh37 (hg19) VCF-style: chr10-73544076-CT-C.
Other names: short protein forms L1801fs.
Identifiers: ClinVar variation 2023074 (VCV002023074.4), dbSNP rs2494356918, ClinGen allele CA2580082126.
Genomic context (GRCh38, chr10:71,784,319, plus strand): 5'-AACTTGGGCCTCTCCTGGTGACACCCAGGGGAGTTTGTGATCTCTCCTGTGGAGGGGGTG[CT>C]AAGGGTCCGGAAGGACGTGGAGCTGGACCGGGAGACCATCGCCTTCTACAACCTGACCAT-3'